The following is an entry in ClinVar:

NM_133443.4(GPT2):c.600C>T (p.Ser200=)

Gene: GPT2 (glutamic--pyruvic transaminase 2; plus strand). Cytogenetic location: 16q11.2.
Variant type: single nucleotide variant.
Coding change: c.600C>T on transcript NM_133443.4 (MANE Select); coding-DNA position 600, C replaced by T.
Protein change: p.Ser200=; no amino-acid change (serine 200 retained).
Molecular consequence: synonymous variant.
Genome position (GRCh38, 1-based): chr16:46,909,707, C>T. VCF-style: chr16-46909707-C-T. GRCh37 (hg19) VCF-style: chr16-46943619-C-T.
Other names: c.300C>T, p.Ser100= (NM_001142466.3).
Identifiers: ClinVar variation 2672632 (VCV002672632.23), dbSNP rs777869515, ClinGen allele CA8038655.
Genomic context (GRCh38, chr16:46,909,707, plus strand): 5'-TAGTGCTGGCTTTCTAGATGTGAATTCTCTGTTGCAGACGATCCTGAAGATCCTCGTCTC[C>T]GGGGGCGGCAAGTCACGGACAGGTGTGATGATCCCCATCCCACAATATCCCCTCTATTCA-3'
Protein context (NP_597700.1, residues 190-210): GISTILKILV[Ser200=]GGGKSRTGVM

ClinVar aggregate classification (germline): Likely benign (1 of 4 stars; one submission).

Allele frequency attached by ClinVar (database versions not stated): ExAC 0.00002; gnomAD 0.00002; gnomAD exomes 0.00003.
gnomAD v4.1: 51 of 1,613,600 alleles (0.0032%); highest among the groups gnomAD compares: South Asian, 0.023%; no homozygotes.

Submission:

CeGaT Center for Human Genetics Tuebingen
Classification: Likely benign. Last evaluated: 2023-11-01. Review status: criteria provided, single submitter. Criteria: CeGaT Center For Human Genetics Tuebingen Variant Classification Criteria Version 2. Collection method: clinical testing. Allele origin: germline. Affected: yes. Observed: 1 variant allele.
Comment: GPT2: BP4, BP7